The following is an entry in ClinVar:

ClinVar aggregate classification (germline): Benign. Review status: criteria provided, multiple submitters, no conflicts (2 of 4 stars). 3 submissions from 3 submitters: Benign (2). 1 of the submissions does not count toward it. Last evaluated 2019-12-31.

Conditions:
APBA2-related disorder. Also called: APBA2-related condition.

Allele frequency attached by ClinVar (database versions not stated): gnomAD exomes 0.00193; ExAC 0.00239; 1000 Genomes Project 0.00719; 1000 Genomes Project 30x 0.00843; ESP Exome Variant Server 0.00884; gnomAD 0.00899; TOPMed 0.00940.
gnomAD v4.1: 2,536 of 1,614,100 alleles (0.16%); highest among the groups gnomAD compares: African/African-American, 3.1%; 39 homozygotes.

Submissions (3):

Labcorp Genetics (formerly Invitae), Labcorp
Classification: Benign. Last evaluated: 2019-12-31. Review status: criteria provided, single submitter. Criteria: Invitae Variant Classification Sherloc (09022015). Collection method: clinical testing. Allele origin: germline.

Breakthrough Genomics
Classification: Benign. Review status: criteria provided, single submitter. Criteria: ACMG Guidelines, 2015. Collection method: not provided. Allele origin: germline. Inheritance: Unknown mechanism. Affected: yes.

PreventionGenetics, part of Exact Sciences
Classification: Benign for APBA2-related condition. Last evaluated: 2019-05-24. Review status: no assertion criteria provided. Collection method: clinical testing. Allele origin: germline. Not counted in ClinVar's aggregate classification.
Comment: This variant is classified as benign based on ACMG/AMP sequence variant interpretation guidelines (Richards et al. 2015 PMID: 25741868, with internal and published modifications).

NM_001353788.2(APBA2):c.519C>T (p.Ser173=)

Gene: APBA2 (amyloid beta precursor protein binding family A member 2; plus strand). Cytogenetic location: 15q13.1.
Variant type: single nucleotide variant.
Coding change: c.519C>T on transcript NM_001353788.2 (MANE Select); coding-DNA position 519, C replaced by T.
Protein change: p.Ser173=; no amino-acid change (serine 173 retained).
Molecular consequence: synonymous variant.
Genome position (GRCh38, 1-based): chr15:29,054,403, C>T. VCF-style: chr15-29054403-C-T. GRCh37 (hg19) VCF-style: chr15-29346606-C-T.
Other names: c.519C>T, p.Ser173= (NM_001130414.1, NM_001353789.2, NM_001353790.2 and 6 more transcripts).
Identifiers: ClinVar variation 787114 (VCV000787114.7), dbSNP rs16955009, ClinGen allele CA7445127.